The following is an entry in ClinVar:

ClinVar aggregate classification (germline): Conflicting classifications of pathogenicity. Review status: criteria provided, conflicting classifications (1 of 4 stars). 7 submissions from 7 submitters: Likely pathogenic (2); Uncertain significance (3). 2 of the submissions do not count toward it. Last evaluated 2026-08-10.

Conditions:
DYNC2H1-related disorder. Also called: DYNC2H1-related disorders; DYNC2H1-related condition. Identifiers: MedGen CN378770.
Asphyxiating thoracic dystrophy 3. Also called: SHORT-RIB THORACIC DYSPLASIA 3 WITH OR WITHOUT POLYDACTYLY; POLYDACTYLY WITH NEONATAL CHONDRODYSTROPHY, TYPE I; SHORT-RIB THORACIC DYSPLASIA 3/6 WITH POLYDACTYLY, DIGENIC; Saldino-Noonan Syndrome; Short rib polydactyly syndrome 2B. Identifiers: Orphanet 474, Orphanet 93269, Orphanet 93270, Orphanet 93271, MedGen C0036069, MONDO:0013127, OMIM 613091.

Allele frequency attached by ClinVar (database versions not stated): ExAC below 0.00001; gnomAD 0.00001; gnomAD exomes 0.00001; TOPMed 0.00001.

Submissions (7):

Myriad Genetics, Inc.
Classification: Uncertain significance for Asphyxiating thoracic dystrophy 3. Last evaluated: 2026-08-10. Review status: criteria provided, single submitter. Criteria: Myriad Autosomal Dominant, Autosomal Recessive and X-Linked Classification Criteria (2023). Collection method: clinical testing. Allele origin: unknown.
Comment: NM_001377.2(DYNC2H1):c.7577T>G(I2526S) is a missense variant classified as a variant of uncertain significance in the context of DYNC2H1-related disorders. I2526S has been observed in cases with relevant disease (PMID: 29068549, 24961629). Relevant functional assessments of this variant are not available in the literature. I2526S has not been observed in referenced population frequency databases. In summary, there is insufficient evidence to classify NM_001377.2(DYNC2H1):c.7577T>G(I2526S) as pathogenic or benign. Please note: this variant was assessed in the context of healthy population screening.

GeneDx
Classification: Uncertain significance. Last evaluated: 2025-08-03. Review status: criteria provided, single submitter. Criteria: GeneDx Variant Classification Process June 2021. Collection method: clinical testing. Allele origin: germline.
Comment: Not observed at significant frequency in large population cohorts (gnomAD); In silico analysis suggests that this missense variant does not alter protein structure/function; This variant is associated with the following publications: (PMID: 29458881, 24961629)

Fulgent Genetics
Classification: Likely pathogenic for Asphyxiating thoracic dystrophy 3. Last evaluated: 2024-05-31. Review status: criteria provided, single submitter. Criteria: ACMG Guidelines, 2015. Collection method: clinical testing. Allele origin: germline.

Blueprint Genetics
Classification: Uncertain significance. Last evaluated: 2023-12-18. Review status: criteria provided, single submitter. Criteria: ACMG Guidelines, 2015. Collection method: clinical testing. Allele origin: germline.

PreventionGenetics, part of Exact Sciences
Classification: Likely pathogenic for DYNC2H1-related condition. Last evaluated: 2023-02-01. Review status: criteria provided, single submitter. Criteria: ACMG Guidelines, 2015. Collection method: clinical testing. Allele origin: germline.
Comment: The DYNC2H1 c.7577T>G variant is predicted to result in the amino acid substitution p.Ile2526Ser. This variant has been reported in fetuses affected with short rib-polydactyly syndrome (Ellard et al 2015. PubMed ID: 24961629; Table S2 in Zhang W et al 2017. PubMed ID: 29068549). This variant has not been reported in a large population database, indicating this variant is rare. Based on the available evidence, this variant is interpreted as likely pathogenic.

Dan Cohn Lab, University Of California Los Angeles
Classification: Pathogenic for Asphyxiating thoracic dystrophy 3. Last evaluated: 2017-06-01. Review status: no assertion criteria provided. Collection method: research. Allele origin: unknown, maternal. Affected: yes. Not counted in ClinVar's aggregate classification.

University of Washington Center for Mendelian Genomics, University of Washington
Classification: Likely pathogenic for Asphyxiating thoracic dystrophy 3. Review status: no assertion criteria provided. Collection method: research. Allele origin: inherited. Affected: yes. Not counted in ClinVar's aggregate classification.

Literature cited by the submitters: PubMed 24961629 (cited by Myriad Genetics, Inc.); PubMed 29068549 (cited by 3 submitters).

NM_001377.3(DYNC2H1):c.7577T>G (p.Ile2526Ser)

Gene: DYNC2H1 (dynein cytoplasmic 2 heavy chain 1; plus strand). Cytogenetic location: 11q22.3.
Variant type: single nucleotide variant.
Coding change: c.7577T>G on transcript NM_001377.3 (MANE Select); coding-DNA position 7577, T replaced by G.
Protein change: p.Ile2526Ser; replaces isoleucine 2526 with serine.
Molecular consequence: missense variant.
Genome position (GRCh38, 1-based): chr11:103,192,133, T>G. VCF-style: chr11-103192133-T-G. GRCh37 (hg19) VCF-style: chr11-103062862-T-G.
Other names: c.7577T>G, p.Ile2526Ser (NM_001080463.2); short protein forms I2526S.
Identifiers: ClinVar variation 446571 (VCV000446571.10), dbSNP rs762588952, ClinGen allele CA6254282.